The following is an entry in ClinVar:

NM_001365999.1(SZT2):c.2477G>A (p.Arg826Gln)

Gene: SZT2 (SZT2 subunit of KICSTOR complex; plus strand). Cytogenetic location: 1p34.2.
Variant type: single nucleotide variant.
Coding change: c.2477G>A on transcript NM_001365999.1 (MANE Select); coding-DNA position 2477, G replaced by A.
Protein change: p.Arg826Gln; replaces arginine 826 with glutamine.
Molecular consequence: missense variant.
Genome position (GRCh38, 1-based): chr1:43,424,789, G>A. VCF-style: chr1-43424789-G-A. GRCh37 (hg19) VCF-style: chr1-43890460-G-A.
Other names: c.2477G>A, p.Arg826Gln (NM_015284.4); short protein forms R826Q.
Identifiers: ClinVar variation 436930 (VCV000436930.14), dbSNP rs752495437, ClinGen allele CA808710.
Genomic context (GRCh38, chr1:43,424,789, plus strand): 5'-TCAGTGTCTCTTCTTCCCTTATCCTGGCCTTGCCCCGGCCTTTATGGGGCTTCAGAGTCC[G>A]ACTTTCTGAAGGATTCCACTTCGCCTGCAGTGGGGAAGGAATCATCAACATGGTTCTGGA-3'
Protein context (NP_001352928.1, residues 816-836): AQLLSILTEV[Arg826Gln]LSEGFHFACS

ClinVar aggregate classification (germline): Uncertain significance. Review status: criteria provided, multiple submitters, no conflicts (2 of 4 stars). 4 submissions from 4 submitters: Uncertain significance (4). Last evaluated 2025-09-05.

Conditions:
Inborn genetic diseases. Identifiers: MedGen C0950123, MeSH D030342.
Developmental and epileptic encephalopathy, 18 (DEE18). Also called: Early infantile epileptic encephalopathy 18. Identifiers: Orphanet 369894, MedGen C3809624, MONDO:0014201, OMIM 615476.

Allele frequency attached by ClinVar (database versions not stated): gnomAD exomes below 0.00001 and 0.00001; ExAC 0.00001; gnomAD 0.00001; TOPMed 0.00001.
gnomAD v4.1: 7 of 1,613,798 alleles (0.00043%); highest among the groups gnomAD compares: Middle Eastern, 0.016%; no homozygotes.

Submissions (4):

Ambry Genetics
Classification: Uncertain significance for Inborn genetic diseases. Last evaluated: 2025-09-05. Review status: criteria provided, single submitter. Criteria: Ambry Variant Classification Scheme 2023. Collection method: clinical testing. Allele origin: germline.

Genome-Nilou Lab
Classification: Uncertain significance for Developmental and epileptic encephalopathy, 18. Last evaluated: 2023-04-11. Review status: criteria provided, single submitter. Criteria: ACMG Guidelines, 2015. Collection method: clinical testing. Allele origin: germline. Affected: no.

Labcorp Genetics (formerly Invitae), Labcorp
Classification: Uncertain significance. Last evaluated: 2022-07-06. Review status: criteria provided, single submitter. Criteria: Invitae Variant Classification Sherloc (09022015). Collection method: clinical testing. Allele origin: germline.
Comment: This sequence change replaces arginine, which is basic and polar, with glutamine, which is neutral and polar, at codon 826 of the SZT2 protein (p.Arg826Gln). This variant is present in population databases (rs752495437, gnomAD 0.003%). This variant has not been reported in the literature in individuals affected with SZT2-related conditions. ClinVar contains an entry for this variant (Variation ID: 436930). Algorithms developed to predict the effect of missense changes on protein structure and function are either unavailable or do not agree on the potential impact of this missense change (SIFT: "Tolerated"; PolyPhen-2: "Probably Damaging"; Align-GVGD: "Class C0"). In summary, the available evidence is currently insufficient to determine the role of this variant in disease. Therefore, it has been classified as a Variant of Uncertain Significance.

Genetic Services Laboratory, University of Chicago
Classification: Uncertain significance. Last evaluated: 2016-09-13. Review status: criteria provided, single submitter. Criteria: ACMG Guidelines, 2015. Collection method: clinical testing. Allele origin: germline. Affected: no.